The following is an entry in ClinVar:

NM_000064.4(C3):c.346G>A (p.Val116Met)

Gene: C3 (complement C3; minus strand). Cytogenetic location: 19p13.3.
Variant type: single nucleotide variant.
Coding change: c.346G>A on transcript NM_000064.4 (MANE Select); coding-DNA position 346, G replaced by A.
Protein change: p.Val116Met; replaces valine 116 with methionine.
Molecular consequence: missense variant.
Genome position (GRCh38, 1-based): chr19:6,718,334, C>T on the plus strand (G>A on the coding strand, the complement: C3 is on the minus strand). VCF-style: chr19-6718334-C-T. GRCh37 (hg19) VCF-style: chr19-6718345-C-T.
Other names: short protein forms V116M.
Identifiers: ClinVar variation 2152304 (VCV002152304.4), dbSNP rs2512271056, ClinGen allele CA403645208.
Genomic context (GRCh38, chr19:6,718,334, plus strand): 5'-TGTCTGTCTGGATGAAGAGGTACCCGCTCTGCAGGCTGACCAGCACCACCTTCTCCACCA[C>T]TTGGGTCCCGAAGGTGGCCTGCACGGTCACGAACTTGTTGCGCCCCTTTTCTGACTTGAA-3'
Protein context (NP_000055.2, residues 106-126): VTVQATFGTQ[Val116Met]VEKVVLVSLQ

ClinVar aggregate classification (germline): Uncertain significance (1 of 4 stars; one submission).

Submission:

Labcorp Genetics (formerly Invitae), Labcorp
Classification: Uncertain significance. Last evaluated: 2022-02-22. Review status: criteria provided, single submitter. Criteria: Invitae Variant Classification Sherloc (09022015). Collection method: clinical testing. Allele origin: germline.
Comment: This variant is not present in population databases (gnomAD no frequency). This sequence change replaces valine, which is neutral and non-polar, with methionine, which is neutral and non-polar, at codon 116 of the C3 protein (p.Val116Met). This missense change has been observed in individual(s) with age-related macular degeneration (PMID: 29888403). In summary, the available evidence is currently insufficient to determine the role of this variant in disease. Therefore, it has been classified as a Variant of Uncertain Significance. Algorithms developed to predict the effect of missense changes on protein structure and function output the following: SIFT: "Tolerated"; PolyPhen-2: "Benign"; Align-GVGD: "Class C0". The methionine amino acid residue is found in multiple mammalian species, which suggests that this missense change does not adversely affect protein function.

Literature cited by the submitters: PubMed 29888403.